The following is an entry in ClinVar:

NM_152743.4(BRAT1):c.1771-118G>A

Gene: BRAT1 (BRCA1 associated ATM activator 1; minus strand). Cytogenetic location: 7p22.3.
Variant type: single nucleotide variant.
Coding change: c.1771-118G>A on transcript NM_152743.4 (MANE Select); 118 bases into the intron before coding-DNA position 1771, G replaced by A.
Molecular consequence: intron variant. On other transcripts: synonymous variant (1).
Genome position (GRCh38, 1-based): chr7:2,538,882, C>T on the plus strand (G>A on the coding strand, the complement: BRAT1 is on the minus strand). VCF-style: chr7-2538882-C-T. GRCh37 (hg19) VCF-style: chr7-2578516-C-T.
Other names: c.1833G>A, p.Ala611= (NM_001350626.2); c.1246-118G>A (NM_001350627.2).
Identifiers: ClinVar variation 3043914 (VCV003043914.2), dbSNP rs766008614, ClinGen allele CA152665350.
Genomic context (GRCh38, chr7:2,538,882, plus strand): 5'-CAACAGGACTCCGGTACATGATGGGGGCTGGCCCCGGACATGCAGTCTAGGGCCACAGCC[C>T]GCTCTGACACCTTCCCATGCTGCGCAGTGAGCACACGGCCCTCCAATCCTCAGTTTACCC-3'

ClinVar aggregate classification (germline): Likely benign (0 of 4 stars; one submission).

Conditions:
BRAT1-related disorder. Also called: BRAT1-related disorders; BRAT1-related condition.

Allele frequency attached by ClinVar (database versions not stated): gnomAD 0.00032; TOPMed 0.00039.
gnomAD v4.1: 615 of 1,499,586 alleles (0.041%); highest among the groups gnomAD compares: Non-Finnish European, 0.053%; no homozygotes.

Submission:

PreventionGenetics, part of Exact Sciences
Classification: Likely benign for BRAT1-related condition. Last evaluated: 2019-12-03. Review status: no assertion criteria provided. Collection method: clinical testing. Allele origin: germline.
Comment: This variant is classified as likely benign based on ACMG/AMP sequence variant interpretation guidelines (Richards et al. 2015 PMID: 25741868, with internal and published modifications).